The following is an entry in ClinVar:

ClinVar aggregate classification (germline): Uncertain significance (1 of 4 stars; one submission).

Allele frequency attached by ClinVar (database versions not stated): TOPMed below 0.00001.

Submission:

GeneDx
Classification: Uncertain significance. Last evaluated: 2017-06-01. Review status: criteria provided, single submitter. Criteria: GeneDx Variant Classification (06012015). Collection method: clinical testing. Allele origin: germline. Affected: yes.
Comment: The I950M variant in the ATP1A2 gene has not been reported previously as a pathogenic variant, nor as a benign variant, to our knowledge. The I950M variant is not observed in large population cohorts (Lek et al., 2016; 1000 Genomes Consortium et al., 2015; Exome Variant Server). The I950M variant is a conservative amino acid substitution, which is not likely to impact secondary protein structure as these residues share similar properties. However, this substitution occurs at a position that is conserved across species, and in silico analysis is inconsistent in its predictions as to whether or not the variant is damaging to the protein structure/function. We interpret I950M as a variant of uncertain significance.

NM_000702.4(ATP1A2):c.2850C>G (p.Ile950Met)

Gene: ATP1A2 (ATPase Na+/K+ transporting subunit alpha 2; plus strand). Cytogenetic location: 1q23.2.
Variant type: single nucleotide variant.
Coding change: c.2850C>G on transcript NM_000702.4 (MANE Select); coding-DNA position 2850, C replaced by G.
Protein change: p.Ile950Met; replaces isoleucine 950 with methionine.
Molecular consequence: missense variant.
Genome position (GRCh38, 1-based): chr1:160,139,649, C>G. VCF-style: chr1-160139649-C-G. GRCh37 (hg19) VCF-style: chr1-160109439-C-G.
Other names: short protein forms I950M.
Identifiers: ClinVar variation 432320 (VCV000432320.2), dbSNP rs1553246129, ClinGen allele CA343254886.